The following is an entry in ClinVar:

NM_173598.6(KSR2):c.1462C>T (p.Arg488Cys)

Gene: KSR2 (kinase suppressor of ras 2; minus strand). Cytogenetic location: 12q24.22.
Variant type: single nucleotide variant.
Coding change: c.1462C>T on transcript NM_173598.6 (MANE Select); coding-DNA position 1462, C replaced by T.
Protein change: p.Arg488Cys; replaces arginine 488 with cysteine.
Molecular consequence: missense variant.
Genome position (GRCh38, 1-based): chr12:117,555,225, G>A on the plus strand (C>T on the coding strand, the complement: KSR2 is on the minus strand). VCF-style: chr12-117555225-G-A. GRCh37 (hg19) VCF-style: chr12-117993030-G-A.
Other names: short protein forms R488C.
Identifiers: ClinVar variation 3040822 (VCV003040822.4), dbSNP rs1377362128, ClinGen allele CA386936803.

ClinVar aggregate classification (germline): Uncertain significance. Review status: criteria provided, single submitter (1 of 4 stars). 2 submissions from 2 submitters: Uncertain significance (1). 1 of the submissions does not count toward it. Last evaluated 2025-01-14.

Conditions:
KSR2-related disorder. Also called: KSR2-related condition.

Allele frequency attached by ClinVar (database versions not stated): gnomAD exomes 0.00001; gnomAD 0.00003.
gnomAD v4.1: 14 of 1,613,756 alleles (0.00087%); highest among the groups gnomAD compares: African/African-American, 0.0013%; no homozygotes.

Submissions (2):

Labcorp Genetics (formerly Invitae), Labcorp
Classification: Uncertain significance. Last evaluated: 2025-01-14. Review status: criteria provided, single submitter. Criteria: Invitae Variant Classification Sherloc (09022015). Collection method: clinical testing. Allele origin: germline.
Comment: This sequence change replaces arginine, which is basic and polar, with cysteine, which is neutral and slightly polar, at codon 459 of the KSR2 protein (p.Arg459Cys). This variant is present in population databases (no rsID available, gnomAD 0.02%). This variant has not been reported in the literature in individuals affected with KSR2-related conditions. ClinVar contains an entry for this variant (Variation ID: 3040822). An algorithm developed to predict the effect of missense changes on protein structure and function (PolyPhen-2) suggests that this variant is likely to be disruptive. In summary, the available evidence is currently insufficient to determine the role of this variant in disease. Therefore, it has been classified as a Variant of Uncertain Significance.

PreventionGenetics, part of Exact Sciences
Classification: Uncertain significance for KSR2-related condition. Last evaluated: 2023-12-26. Review status: no assertion criteria provided. Collection method: clinical testing. Allele origin: germline. Not counted in ClinVar's aggregate classification.
Comment: The KSR2 c.1375C>T variant is predicted to result in the amino acid substitution p.Arg459Cys. To our knowledge, this variant has not been reported in the literature. This variant is reported in 0.024% of alleles in individuals of European (Finnish) descent in gnomAD. At this time, the clinical significance of this variant is uncertain due to the absence of conclusive functional and genetic evidence.